The following is an entry in ClinVar:

ClinVar aggregate classification (germline): Uncertain significance. Review status: criteria provided, multiple submitters, no conflicts (2 of 4 stars). 3 submissions from 3 submitters: Uncertain significance (3). Last evaluated 2023-12-09.

Conditions:
Hereditary nonpolyposis colorectal neoplasms. Identifiers: MedGen C0009405, MeSH D003123.
Hereditary cancer-predisposing syndrome. Also called: Neoplastic Syndromes, Hereditary; Tumor predisposition; Hereditary Cancer Syndrome; Hereditary neoplastic syndrome. Identifiers: Orphanet 140162, MedGen C0027672, MeSH D009386, MONDO:0015356.

Submissions (3):

Ambry Genetics
Classification: Uncertain significance for Hereditary cancer-predisposing syndrome. Last evaluated: 2023-12-09. Review status: criteria provided, single submitter. Criteria: Ambry Variant Classification Scheme 2023. Collection method: clinical testing. Allele origin: germline.
Comment: The p.E224K variant (also known as c.670G>A), located in coding exon 4 of the MSH6 gene, results from a G to A substitution at nucleotide position 670. The glutamic acid at codon 224 is replaced by lysine, an amino acid with similar properties. This amino acid position is not well conserved in available vertebrate species. In addition, this alteration is predicted to be tolerated by in silico analysis. Since supporting evidence is limited at this time, the clinical significance of this alteration remains unclear.

Blueprint Genetics
Classification: Uncertain significance. Last evaluated: 2023-03-10. Review status: criteria provided, single submitter. Criteria: ACMG Guidelines, 2015. Collection method: clinical testing. Allele origin: germline.

Labcorp Genetics (formerly Invitae), Labcorp
Classification: Uncertain significance for Hereditary nonpolyposis colorectal neoplasms. Last evaluated: 2020-11-15. Review status: criteria provided, single submitter. Criteria: Invitae Variant Classification Sherloc (09022015). Collection method: clinical testing. Allele origin: germline.
Comment: In summary, this variant is a novel missense change that is not predicted to affect protein function. There is no indication that it causes disease, but the available evidence is currently insufficient to prove that conclusively. Therefore, it has been classified as a Variant of Uncertain Significance. Algorithms developed to predict the effect of missense changes on protein structure and function (SIFT, PolyPhen-2, Align-GVGD) all suggest that this variant is likely to be tolerated, but these predictions have not been confirmed by published functional studies. This variant is not present in population databases (ExAC no frequency) and has not been reported in the literature in individuals with a MSH6-related disease. This sequence change replaces glutamic acid with lysine at codon 224 of the MSH6 protein (p.Glu224Lys). The glutamic acid residue is weakly conserved and there is a small physicochemical difference between glutamic acid and lysine.

NM_000179.3(MSH6):c.670G>A (p.Glu224Lys)

Gene: MSH6 (mutS homolog 6; plus strand). Cytogenetic location: 2p16.3.
Variant type: single nucleotide variant.
Coding change: c.670G>A on transcript NM_000179.3 (MANE Select); coding-DNA position 670, G replaced by A.
Protein change: p.Glu224Lys; replaces glutamic acid 224 with lysine.
Molecular consequence: missense variant. On other transcripts: 5 prime UTR variant (2).
Genome position (GRCh38, 1-based): chr2:47,798,653, G>A. VCF-style: chr2-47798653-G-A. GRCh37 (hg19) VCF-style: chr2-48025792-G-A.
Other names: c.280G>A, p.Glu94Lys (NM_001281492.2); c.-237G>A (NM_001281493.2, NM_001281494.2); short protein forms E224K, E94K.
Identifiers: ClinVar variation 410505 (VCV000410505.13), dbSNP rs1060502933, ClinGen allele CA16610867.